The following is an entry in ClinVar:

ClinVar aggregate classification (germline): Uncertain significance (1 of 4 stars; one submission).

Submission:

Labcorp Genetics (formerly Invitae), Labcorp
Classification: Uncertain significance. Last evaluated: 2022-10-20. Review status: criteria provided, single submitter. Criteria: Invitae Variant Classification Sherloc (09022015). Collection method: clinical testing. Allele origin: germline.
Comment: This variant is present in population databases (rs761028473, gnomAD 0.003%). In summary, the available evidence is currently insufficient to determine the role of this variant in disease. Therefore, it has been classified as a Variant of Uncertain Significance. Algorithms developed to predict the effect of missense changes on protein structure and function are either unavailable or do not agree on the potential impact of this missense change (SIFT: "Deleterious"; PolyPhen-2: "Possibly Damaging"; Align-GVGD: "Class C15"). This variant has not been reported in the literature in individuals affected with CLCN6-related conditions. This sequence change replaces glycine, which is neutral and non-polar, with arginine, which is basic and polar, at codon 275 of the CLCN6 protein (p.Gly275Arg).

NM_001286.5(CLCN6):c.823G>C (p.Gly275Arg)

Gene: CLCN6 (chloride voltage-gated channel 6; plus strand). Cytogenetic location: 1p36.22.
Variant type: single nucleotide variant.
Coding change: c.823G>C on transcript NM_001286.5 (MANE Select); coding-DNA position 823, G replaced by C.
Protein change: p.Gly275Arg; replaces glycine 275 with arginine.
Molecular consequence: missense variant. On other transcripts: non-coding transcript variant (1).
Genome position (GRCh38, 1-based): chr1:11,827,204, G>C. VCF-style: chr1-11827204-G-C. GRCh37 (hg19) VCF-style: chr1-11887261-G-C.
Other names: c.757G>C, p.Gly253Arg (NM_001256959.2); short protein forms G253R, G275R.
Identifiers: ClinVar variation 1957905 (VCV001957905.5), dbSNP rs761028473, ClinGen allele CA596248.